The following is an entry in ClinVar:

ClinVar aggregate classification (germline): Pathogenic (1 of 4 stars; one submission).

Allele frequency attached by ClinVar (database versions not stated): gnomAD 0.00001; TOPMed 0.00001; ESP Exome Variant Server 0.00008.
gnomAD v4.1: 6 of 1,611,818 alleles (0.00037%); highest among the groups gnomAD compares: Non-Finnish European, 0.00051%; no homozygotes.

Submission:

GeneDx
Classification: Pathogenic. Last evaluated: 2017-01-09. Review status: criteria provided, single submitter. Criteria: GeneDx Variant Classification (06012015). Collection method: clinical testing. Allele origin: germline. Affected: yes.
Comment: The Q930X variant in the VPS13B gene has not been reported previously as a pathogenic variant nor as a benign variant, to our knowledge. This variant is predicted to cause loss of normal protein function either through protein truncation or nonsense-mediated mRNA decay. The Q930X variant was not observed with any significant frequency in approximately 6500 individuals of European and African American ancestry in the NHLBI Exome Sequencing Project, indicating it is not a common benign variant in these populations. Therefore, we interpret Q930X as a pathogenic variant.

NM_152564.5(VPS13B):c.2788C>T (p.Gln930Ter)

Gene: VPS13B (vacuolar protein sorting 13 homolog B; plus strand). Cytogenetic location: 8q22.2.
Variant type: single nucleotide variant.
Coding change: c.2788C>T on transcript NM_152564.5 (MANE Select); coding-DNA position 2788, C replaced by T.
Protein change: p.Gln930Ter; replaces glutamine 930 with a stop codon.
Molecular consequence: nonsense.
Genome position (GRCh38, 1-based): chr8:99,275,218, C>T. VCF-style: chr8-99275218-C-T. GRCh37 (hg19) VCF-style: chr8-100287446-C-T.
Other names: c.2788C>T, p.Gln930Ter (NM_017890.5); short protein forms Q930*.
Identifiers: ClinVar variation 392412 (VCV000392412.2), dbSNP rs372949456, ClinGen allele CA4823019.